The following is an entry in ClinVar:

ClinVar aggregate classification (germline): Conflicting classifications of pathogenicity. Review status: criteria provided, conflicting classifications (1 of 4 stars). 3 submissions from 3 submitters: Uncertain significance (1); Likely benign (2). Last evaluated 2026-01-30.

Allele frequency attached by ClinVar (database versions not stated): ESP Exome Variant Server 0.00032; 1000 Genomes Project 0.00060; ExAC 0.00072; 1000 Genomes Project 30x 0.00078; gnomAD 0.00078 and 0.00088; gnomAD exomes 0.00090 and 0.00091; TOPMed 0.00104.
gnomAD v4.1: 1,423 of 1,613,630 alleles (0.088%); highest among the groups gnomAD compares: Admixed American, 0.24%; 1 homozygote.

Submissions (3):

Women's Health and Genetics/Laboratory Corporation of America, LabCorp
Classification: Uncertain significance. Last evaluated: 2026-01-30. Review status: criteria provided, single submitter. Criteria: LabCorp Variant Classification Summary - May 2015. Collection method: clinical testing. Allele origin: germline.
Comment: Variant summary: C7 c.2008G>A (p.Ala670Thr) results in a non-conservative amino acid change in the encoded protein sequence. Algorithms developed to predict the effect of missense changes on protein structure and function are either unavailable or do not agree on the potential impact of this missense change. The variant allele was found at a frequency of 0.00091 in 248524 control chromosomes in the gnomAD database, including 1 homozygotes. This frequency is not significantly higher than estimated for disease-causing variants in C7, allowing no conclusion about variant significance. c.2008G>A has been observed in an individual affected with Complement component 7 deficiency without clear evidence for causality (Leimi_2023). These report(s) do not provide unequivocal conclusions about association of the variant with Complement component 7 deficiency. To our knowledge, no experimental evidence demonstrating an impact on protein function has been reported. The following publication have been ascertained in the context of this evaluation (PMID: 37771589). ClinVar contains an entry for this variant (Variation ID: 1155910). Based on the evidence outlined above, the variant was classified as uncertain significance.

Labcorp Genetics (formerly Invitae), Labcorp
Classification: Likely benign. Last evaluated: 2026-01-28. Review status: criteria provided, single submitter. Criteria: Invitae Variant Classification Sherloc (09022015). Collection method: clinical testing. Allele origin: germline.

Blueprint Genetics
Classification: Likely benign. Last evaluated: 2024-09-26. Review status: criteria provided, single submitter. Criteria: ACMG Guidelines, 2015. Collection method: clinical testing. Allele origin: germline.

Literature cited by the submitters: PubMed 37771589 (cited by Women's Health and Genetics/Laboratory Corporation of America, LabCorp).

NM_000587.4(C7):c.2008G>A (p.Ala670Thr)

Gene: C7 (complement C7; plus strand). Cytogenetic location: 5p13.1.
Variant type: single nucleotide variant.
Coding change: c.2008G>A on transcript NM_000587.4 (MANE Select); coding-DNA position 2008, G replaced by A.
Protein change: p.Ala670Thr; replaces alanine 670 with threonine.
Molecular consequence: missense variant.
Genome position (GRCh38, 1-based): chr5:40,972,528, G>A. VCF-style: chr5-40972528-G-A. GRCh37 (hg19) VCF-style: chr5-40972630-G-A.
Other names: short protein forms A670T.
Identifiers: ClinVar variation 1155910 (VCV001155910.11), dbSNP rs200737768, ClinGen allele CA3250168.